The following is an entry in ClinVar:

NM_012280.4(FTSJ1):c.366C>A (p.Thr122=)

Gene: FTSJ1 (FtsJ RNA 2'-O-methyltransferase 1; plus strand). Cytogenetic location: Xp11.23.
Variant type: single nucleotide variant.
Coding change: c.366C>A on transcript NM_012280.4 (MANE Select); coding-DNA position 366, C replaced by A.
Protein change: p.Thr122=; no amino-acid change (threonine 122 retained).
Molecular consequence: synonymous variant. On other transcripts: intron variant (1).
Genome position (GRCh38, 1-based): chrX:48,481,155, C>A. VCF-style: chrX-48481155-C-A. GRCh37 (hg19) VCF-style: chrX-48339543-C-A.
Other names: c.366C>A, p.Thr122= (NM_001441195.1, NM_001441196.1, NM_001441197.1 and 4 more transcripts); c.4-134C>A (NM_001282157.2).
Identifiers: ClinVar variation 1336198 (VCV001336198.5), dbSNP rs560411675, ClinGen allele CA516020129.

ClinVar aggregate classification (germline): Uncertain significance. Review status: criteria provided, multiple submitters, no conflicts (2 of 4 stars). 2 submissions from 2 submitters: Uncertain significance (2). Last evaluated 2022-07-18.

Submissions (2):

GeneDx
Classification: Uncertain significance. Last evaluated: 2022-07-18. Review status: criteria provided, single submitter. Criteria: GeneDx Variant Classification Process June 2021. Collection method: clinical testing. Allele origin: germline. Affected: yes.
Comment: Not observed at significant frequency in large population cohorts (gnomAD); In silico analysis supports a deleterious effect on splicing; Has not been previously published as pathogenic or benign to our knowledge.

Genetic Services Laboratory, University of Chicago
Classification: Uncertain significance. Last evaluated: 2017-08-16. Review status: criteria provided, single submitter. Criteria: ACMG Guidelines, 2015. Collection method: clinical testing. Allele origin: germline. Affected: no.